The following is an entry in ClinVar:

ClinVar aggregate classification (germline): Benign (0 of 4 stars; one submission).

Conditions:
ERC1-related disorder. Also called: ERC1-related condition.

Allele frequency attached by ClinVar (database versions not stated): gnomAD exomes 0.06448; ExAC 0.09067; 1000 Genomes Project 0.18930; gnomAD 0.19610; 1000 Genomes Project 30x 0.20034; TOPMed 0.21444; ESP Exome Variant Server 0.21905.
gnomAD v4.1: 124,598 of 1,613,534 alleles (7.7%); highest among the groups gnomAD compares: African/African-American, 57%; 14,870 homozygotes.

Submission:

PreventionGenetics, part of Exact Sciences
Classification: Benign for ERC1-related condition. Last evaluated: 2019-11-11. Review status: no assertion criteria provided. Collection method: clinical testing. Allele origin: germline.
Comment: This variant is classified as benign based on ACMG/AMP sequence variant interpretation guidelines (Richards et al. 2015 PMID: 25741868, with internal and published modifications).

NM_178040.4(ERC1):c.3094A>G (p.Thr1032Ala)

Gene: ERC1 (ELKS/RAB6-interacting/CAST family member 1; plus strand). Cytogenetic location: 12p13.33.
Variant type: single nucleotide variant.
Coding change: c.3094A>G on transcript NM_178040.4 (MANE Select); coding-DNA position 3094, A replaced by G.
Protein change: p.Thr1032Ala; replaces threonine 1032 with alanine.
Molecular consequence: missense variant. On other transcripts: non-coding transcript variant (3).
Genome position (GRCh38, 1-based): chr12:1,444,631, A>G. VCF-style: chr12-1444631-A-G. GRCh37 (hg19) VCF-style: chr12-1553797-A-G.
Other names: c.3094A>G, p.Thr1032Ala (NM_001301248.1); c.*108A>G (NM_015064.2, NM_178037.1); c.3010A>G, p.Thr1004Ala (NM_178039.4); short protein forms T1004A, T1032A.
Identifiers: ClinVar variation 3055629 (VCV003055629.2), dbSNP rs12319376, ClinGen allele CA6385019.